The following is an entry in ClinVar:

ClinVar aggregate classification (germline): Uncertain significance. Review status: criteria provided, multiple submitters, no conflicts (2 of 4 stars). 2 submissions from 2 submitters: Uncertain significance (2). Last evaluated 2025-10-13.

Conditions:
POLD1-related polyposis and colorectal cancer syndrome (CRCS10). Also called: Colorectal cancer 10; COLORECTAL CANCER, SUSCEPTIBILITY TO, ON CHROMOSOME 19q; Colorectal cancer, susceptibility to, 10. Identifiers: Orphanet 220460, MedGen C2675481, MONDO:0012953, OMIM 612591.
Hereditary cancer-predisposing syndrome. Also called: Hereditary neoplastic syndrome; Tumor predisposition; Neoplastic Syndromes, Hereditary; Hereditary Cancer Syndrome. Identifiers: Orphanet 140162, MedGen C0027672, MeSH D009386, MONDO:0015356.

Allele frequency attached by ClinVar (database versions not stated): gnomAD exomes below 0.00001; TOPMed below 0.00001.
gnomAD v4.1: 4 of 1,612,868 alleles (0.00025%); highest among the groups gnomAD compares: Non-Finnish European, 0.00034%; no homozygotes.

Submissions (2):

Labcorp Genetics (formerly Invitae), Labcorp
Classification: Uncertain significance for POLD1-related polyposis and colorectal cancer syndrome. Last evaluated: 2025-10-13. Review status: criteria provided, single submitter. Criteria: Invitae Variant Classification Sherloc (09022015). Collection method: clinical testing. Allele origin: germline.
Comment: This sequence change replaces valine, which is neutral and non-polar, with isoleucine, which is neutral and non-polar, at codon 720 of the POLD1 protein (p.Val720Ile). This variant is not present in population databases (gnomAD no frequency). This variant has not been reported in the literature in individuals affected with POLD1-related conditions. ClinVar contains an entry for this variant (Variation ID: 947038). Invitae Evidence Modeling of protein sequence and biophysical properties (such as structural, functional, and spatial information, amino acid conservation, physicochemical variation, residue mobility, and thermodynamic stability) indicates that this missense variant is not expected to disrupt POLD1 protein function with a negative predictive value of 80%. In summary, the available evidence is currently insufficient to determine the role of this variant in disease. Therefore, it has been classified as a Variant of Uncertain Significance.

Ambry Genetics
Classification: Uncertain significance for Hereditary cancer-predisposing syndrome. Last evaluated: 2024-04-04. Review status: criteria provided, single submitter. Criteria: Ambry Variant Classification Scheme 2023. Collection method: clinical testing. Allele origin: germline.
Comment: The p.V720I variant (also known as c.2158G>A), located in coding exon 17 of the POLD1 gene, results from a G to A substitution at nucleotide position 2158. The valine at codon 720 is replaced by isoleucine, an amino acid with highly similar properties. This amino acid position is conserved. In addition, this alteration is predicted to be tolerated by in silico analysis. Since supporting evidence is limited at this time, the clinical significance of this alteration remains unclear.

NM_002691.4(POLD1):c.2158G>A (p.Val720Ile)

Gene: POLD1 (DNA polymerase delta 1, catalytic subunit; plus strand). Cytogenetic location: 19q13.33.
Variant type: single nucleotide variant.
Coding change: c.2158G>A on transcript NM_002691.4 (MANE Select); coding-DNA position 2158, G replaced by A.
Protein change: p.Val720Ile; replaces valine 720 with isoleucine.
Molecular consequence: missense variant. On other transcripts: non-coding transcript variant (1).
Genome position (GRCh38, 1-based): chr19:50,413,429, G>A. VCF-style: chr19-50413429-G-A. GRCh37 (hg19) VCF-style: chr19-50916686-G-A.
Other names: c.2158G>A, p.Val720Ile (NM_001256849.1); c.2236G>A, p.Val746Ile (NM_001308632.1); short protein forms V746I, V720I.
Identifiers: ClinVar variation 947038 (VCV000947038.13), dbSNP rs1042614681, ClinGen allele CA309604329.